The following is an entry in ClinVar:

NM_007107.5(SSR3):c.310C>G (p.Leu104Val)

Gene: SSR3 (signal sequence receptor subunit 3; minus strand). Cytogenetic location: 3q25.31.
Variant type: single nucleotide variant.
Coding change: c.310C>G on transcript NM_007107.5 (MANE Select); coding-DNA position 310, C replaced by G.
Protein change: p.Leu104Val; replaces leucine 104 with valine.
Molecular consequence: missense variant.
Genome position (GRCh38, 1-based): chr3:156,548,954, G>C on the plus strand (C>G on the coding strand, the complement: SSR3 is on the minus strand). VCF-style: chr3-156548954-G-C. GRCh37 (hg19) VCF-style: chr3-156266743-G-C.
Other names: c.310C>G, p.Leu104Val (NM_001308197.2); c.154C>G, p.Leu52Val (NM_001308204.2, NM_001308205.2); short protein forms L104V, L52V.
Identifiers: ClinVar variation 4702716 (VCV004702716.1).
Genomic context (GRCh38, chr3:156,548,954, plus strand): 5'-AGGAGTCAAACCTTTCATCTTTCTCCTTCCGAGACATCTTTCTATTATCAGCTTCAGAAA[G>C]TTTTCGAGTCACTTCTTTGGAAACAGCATCCTCCCTCTTCTGTGCTACTCTGGAAGAAAA-3'
Protein context (NP_009038.1, residues 94-114): DAVSKEVTRK[Leu104Val]SEADNRKMSR

ClinVar aggregate classification (germline): Uncertain significance (1 of 4 stars; one submission).

gnomAD v4.1: 6 of 1,613,252 alleles (0.00037%); highest among the groups gnomAD compares: Non-Finnish European, 0.00042%; no homozygotes.

Submission:

Labcorp Genetics (formerly Invitae), Labcorp
Classification: Uncertain significance. Last evaluated: 2025-04-29. Review status: criteria provided, single submitter. Criteria: Invitae Variant Classification Sherloc (09022015). Collection method: clinical testing. Allele origin: germline.
Comment: This sequence change replaces leucine, which is neutral and non-polar, with valine, which is neutral and non-polar, at codon 104 of the SSR3 protein (p.Leu104Val). This variant is not present in population databases (gnomAD no frequency). This variant has not been reported in the literature in individuals affected with SSR3-related conditions. An algorithm developed to predict the effect of missense changes on protein structure and function (PolyPhen-2) suggests that this variant is likely to be tolerated. In summary, the available evidence is currently insufficient to determine the role of this variant in disease. Therefore, it has been classified as a Variant of Uncertain Significance.